The following is an entry in ClinVar:

ClinVar aggregate classification (germline): Uncertain significance (1 of 4 stars; one submission).

Conditions:
Deafness-lymphedema-leukemia syndrome. Also called: Emberger syndrome; Lymphedema, primary, with myelodysplasia. Identifiers: Orphanet 3226, MedGen C3279664, MONDO:0013540, OMIM 614038.
Monocytopenia with susceptibility to infections. Also called: MONOCYTOPENIA AND MYCOBACTERIAL INFECTION SYNDROME; MONOCYTOPENIA WITH SUSCEPTIBILITY TO MYCOBACTERIAL, FUNGAL, AND PAPILLOMAVIRUS INFECTIONS AND MYELODYSPLASIA; COMBINED IMMUNODEFICIENCY WITH SUSCEPTIBILITY TO MYCOBACTERIAL, VIRAL, AND FUNGAL INFECTIONS; Dendritic cell, monocyte, B lymphocyte, and natural killer lymphocyte deficiency; IMMUNODEFICIENCY 21; GATA2 DEFICIENCY. Identifiers: Orphanet 228423, MedGen C3280030, MONDO:0013607, OMIM 614172.

Submission:

Labcorp Genetics (formerly Invitae), Labcorp
Classification: Uncertain significance for Monocytopenia with susceptibility to infections; Deafness-lymphedema-leukemia syndrome. Last evaluated: 2022-01-11. Review status: criteria provided, single submitter. Criteria: Invitae Variant Classification Sherloc (09022015). Collection method: clinical testing. Allele origin: germline.
Comment: In summary, the available evidence is currently insufficient to determine the role of this variant in disease. Therefore, it has been classified as a Variant of Uncertain Significance. Advanced modeling of protein sequence and biophysical properties (such as structural, functional, and spatial information, amino acid conservation, physicochemical variation, residue mobility, and thermodynamic stability) performed at Invitae indicates that this missense variant is not expected to disrupt GATA2 protein function. This variant has not been reported in the literature in individuals affected with GATA2-related conditions. This variant is not present in population databases (gnomAD no frequency). This sequence change replaces leucine, which is neutral and non-polar, with valine, which is neutral and non-polar, at codon 105 of the GATA2 protein (p.Leu105Val).

NM_032638.5(GATA2):c.313C>G (p.Leu105Val)

Gene: GATA2 (GATA binding protein 2; minus strand). Cytogenetic location: 3q21.3.
Variant type: single nucleotide variant.
Coding change: c.313C>G on transcript NM_032638.5 (MANE Select); coding-DNA position 313, C replaced by G.
Protein change: p.Leu105Val; replaces leucine 105 with valine.
Molecular consequence: missense variant.
Genome position (GRCh38, 1-based): chr3:128,486,285, G>C on the plus strand (C>G on the coding strand, the complement: GATA2 is on the minus strand). VCF-style: chr3-128486285-G-C. GRCh37 (hg19) VCF-style: chr3-128205128-G-C.
Other names: c.313C>G, p.Leu105Val (NM_001145661.2, NM_001145662.1); short protein forms L105V.
Identifiers: ClinVar variation 2078465 (VCV002078465.4), dbSNP rs2107672852, ClinGen allele CA354407406.